The following is an entry in ClinVar:

ClinVar aggregate classification (germline): Uncertain significance (1 of 4 stars; one submission).

Submission:

Labcorp Genetics (formerly Invitae), Labcorp
Classification: Uncertain significance. Last evaluated: 2023-12-13. Review status: criteria provided, single submitter. Criteria: Invitae Variant Classification Sherloc (09022015). Collection method: clinical testing. Allele origin: germline.
Comment: This sequence change replaces methionine, which is neutral and non-polar, with valine, which is neutral and non-polar, at codon 29 of the ASXL1 protein (p.Met29Val). This variant is present in population databases (no rsID available, gnomAD 0.003%). This variant has not been reported in the literature in individuals affected with ASXL1-related conditions. An algorithm developed to predict the effect of missense changes on protein structure and function (PolyPhen-2) suggests that this variant is likely to be disruptive. In summary, the available evidence is currently insufficient to determine the role of this variant in disease. Therefore, it has been classified as a Variant of Uncertain Significance.

NM_015338.6(ASXL1):c.85A>G (p.Met29Val)

Gene: ASXL1 (ASXL transcriptional regulator 1; plus strand). Cytogenetic location: 20q11.21.
Variant type: single nucleotide variant.
Coding change: c.85A>G on transcript NM_015338.6 (MANE Select); coding-DNA position 85, A replaced by G.
Protein change: p.Met29Val; replaces methionine 29 with valine.
Molecular consequence: missense variant.
Genome position (GRCh38, 1-based): chr20:32,366,411, A>G. VCF-style: chr20-32366411-A-G. GRCh37 (hg19) VCF-style: chr20-30954214-A-G.
Other names: c.85A>G, p.Met29Val (NM_001164603.1); c.55A>G, p.Met19Val (NM_001363734.1); short protein forms M19V, M29V.
Identifiers: ClinVar variation 2793609 (VCV002793609.3), dbSNP rs769223128, ClinGen allele CA408577684.